The following is an entry in ClinVar:

ClinVar aggregate classification (germline): Likely pathogenic (1 of 4 stars; one submission).

Conditions:
Pitt-Hopkins syndrome (PTHS). Also called: MENTAL RETARDATION, SYNDROMAL, WITH INTERMITTENT HYPERVENTILATION; ENCEPHALOPATHY, SEVERE EPILEPTIC, WITH AUTONOMIC DYSFUNCTION. Identifiers: Orphanet 2896, MedGen C1970431, MONDO:0012589, OMIM 610954.

Submission:

Labcorp Genetics (formerly Invitae), Labcorp
Classification: Likely pathogenic for Pitt-Hopkins syndrome. Last evaluated: 2020-05-20. Review status: criteria provided, single submitter. Criteria: Invitae Variant Classification Sherloc (09022015). Collection method: clinical testing. Allele origin: germline.
Comment: In summary, the currently available evidence indicates that the variant is pathogenic, but additional data are needed to prove that conclusively. Therefore, this variant has been classified as Likely Pathogenic. Donor and acceptor splice site variants typically lead to a loss of protein function (PMID: 16199547), and loss-of-function variants in TCF4 are known to be pathogenic (PMID: 18728071, 22045651). Algorithms developed to predict the effect of sequence changes on RNA splicing suggest that this variant may disrupt the consensus splice site, but this prediction has not been confirmed by published transcriptional studies. Disruption of this splice site has been observed in individual(s) with TCF4-related conditions (PMID: 21671391). This variant is not present in population databases (ExAC no frequency). This sequence change affects an acceptor splice site in intron 8 of the TCF4 gene. It is expected to disrupt RNA splicing and likely results in an absent or disrupted protein product.

Literature cited by the submitters: PubMed 16199547; PubMed 18728071; PubMed 22045651; PubMed 21671391.

NM_001083962.2(TCF4):c.550-12_550-2del

Gene: TCF4 (transcription factor 4; minus strand). Cytogenetic location: 18q21.2.
Variant type: Deletion.
Coding change: c.550-12_550-2del on transcript NM_001083962.2 (MANE Select); 12 bases into the intron before coding-DNA position 550 through the canonical splice acceptor site of the intron before coding-DNA position 550, 11 bases deleted (CTTTCTCCTCA).
Molecular consequence: splice acceptor variant. On other transcripts: frameshift variant (1).
Genome position (GRCh38, 1-based): chr18:55,279,658-55,279,668, TGAGGAGAAAG deleted on the plus strand (CTTTCTCCTCA on the coding strand, the reverse complement: TCF4 is on the minus strand). VCF-style (leftmost placement, unchanged base first): chr18-55279657-CTGAGGAGAAAG-C. GRCh37 (hg19) VCF-style: chr18-52946888-CTGAGGAGAAAG-C.
Other names: c.556_566del, p.Leu186fs (NM_001243228.2); c.856-12_856-2del (NM_001243226.3); c.475-12_475-2del (NM_001369584.1, NM_001369576.1, NM_001369585.1 and 3 more transcripts); c.478-12_478-2del (NM_001369577.1, NM_001369582.1, NM_001243227.2 and 9 more transcripts); c.550-12_550-2del (NM_001369571.1, NM_001369567.1, NM_001369572.1 and 4 more transcripts); c.544-12_544-2del (NM_001243230.2); c.547-12_547-2del (NM_001369569.1, NM_001369573.1, NM_001369570.1); c.424-12_424-2del (NM_001243231.2, NM_001348211.2); and 4 more; short protein forms L186fs.
Identifiers: ClinVar variation 1066394 (VCV001066394.9), dbSNP rs2146265987, ClinGen allele CA2499225224.
Genomic context (GRCh38, chr18:55,279,657, plus strand): 5'-GGAAGGATAGCCTGGCGAGTCCCTATTGTAGTCGGCAGTGCTTGCTGATGGAGCATAGAC[CTGAGGAGAAAG>C]AACCAACTGAGTTTTGCTTTTTGCATTGACCACAGCAGCCCAAGCTCCATTCTTATATAA-3'